The following is an entry in ClinVar:

ClinVar aggregate classification (germline): Likely benign (1 of 4 stars; one submission).

Conditions:
Neurofibromatosis, type 1 (NF1). Also called: VON RECKLINGHAUSEN DISEASE; NEUROFIBROMATOSIS, TYPE I, SOMATIC; Peripheral type neurofibromatosis; Neurofibromatosis, type I. Identifiers: Orphanet 636, MedGen C0027831, MONDO:0018975, OMIM 162200. Disease mechanism: loss of function.

gnomAD v4.1: 1 of 1,575,250 alleles (0.000063%); highest among the groups gnomAD compares: Non-Finnish European, 0.000086%; no homozygotes.

Submission:

Myriad Genetics, Inc.
Classification: Likely benign for Neurofibromatosis, type 1. Last evaluated: 2026-09-22. Review status: criteria provided, single submitter. Criteria: Myriad Autosomal Dominant, Autosomal Recessive and X-Linked Classification Criteria (2023). Collection method: clinical testing. Allele origin: unknown.
Comment: This variant is considered likely benign. This variant is intronic and is not expected to impact mRNA splicing.

NM_001042492.3(NF1):c.7190-8T>C

Gene: NF1 (neurofibromin 1; plus strand). Cytogenetic location: 17q11.2.
Variant type: single nucleotide variant.
Coding change: c.7190-8T>C on transcript NM_001042492.3 (MANE Select); 8 bases into the intron before coding-DNA position 7190, T replaced by C.
Molecular consequence: intron variant.
Genome position (GRCh38, 1-based): chr17:31,349,112, T>C. VCF-style: chr17-31349112-T-C. GRCh37 (hg19) VCF-style: chr17-29676130-T-C.
Other names: c.7127-8T>C (NM_000267.4).
Identifiers: ClinVar variation 5042272 (VCV005042272.1).